The following is an entry in ClinVar:

ClinVar aggregate classification (germline): Likely benign (1 of 4 stars; one submission).

Conditions:
Amyotrophic lateral sclerosis type 6. Also called: FUS-Related Amyotrophic Laterial Sclerosis; AMYOTROPHIC LATERAL SCLEROSIS 6 WITHOUT FRONTOTEMPORAL DEMENTIA; Amyotrophic lateral sclerosis 6, with or without frontotemporal dementia. Identifiers: Orphanet 275872, Orphanet 803, MedGen C2931786, MONDO:0011951, OMIM 608030.

Allele frequency attached by ClinVar (database versions not stated): ExAC 0.00028; gnomAD 0.00058 and 0.00059; gnomAD exomes 0.00059 and 0.00050; 1000 Genomes Project 0.00080; 1000 Genomes Project 30x 0.00094; TOPMed 0.00060.
gnomAD v4.1: 323 of 533,218 alleles (0.061%); highest among the groups gnomAD compares: Non-Finnish European, 0.087%; no homozygotes.

Submission:

Illumina Laboratory Services, Illumina
Classification: Likely benign for Amyotrophic lateral sclerosis type 6. Last evaluated: 2018-01-13. Review status: criteria provided, single submitter. Criteria: ICSL Variant Classification Criteria 13 December 2019. Collection method: clinical testing. Allele origin: germline.
Comment: This variant was observed in the ICSL laboratory as part of a predisposition screen in an ostensibly healthy population. It had not been previously curated by ICSL or reported in the Human Gene Mutation Database (HGMD: prior to June 1st, 2018), and was therefore a candidate for classification through an automated scoring system. Utilizing variant allele frequency, disease prevalence and penetrance estimates, and inheritance mode, an automated score was calculated to assess if this variant is too frequent to cause the disease. Based on the score and internal cut-off values, a variant classified as likely benign is not then subjected to further curation. The score for this variant resulted in a classification of likely benign for this disease.

NM_004960.3(FUS):c.*561C>T

Gene: FUS (FUS DNA/RNA binding protein; plus strand). Cytogenetic location: 16p11.2.
Variant type: single nucleotide variant.
Coding change: c.*561C>T on transcript NM_004960.3; 561 bases downstream of the stop codon, C replaced by T.
Molecular consequence: 3 prime UTR variant (on NM_001170634.1). On other transcripts: non-coding transcript variant (1).
Genome position (GRCh38, 1-based): chr16:31,191,999, C>T. VCF-style: chr16-31191999-C-T. GRCh37 (hg19) VCF-style: chr16-31203320-C-T.
Other names: c.*561C>T (NM_001170634.1, NM_001170937.1).
Identifiers: ClinVar variation 884585 (VCV000884585.6), dbSNP rs192705444, ClinGen allele CA8024193.
Genomic context (GRCh38, chr16:31,191,999, plus strand): 5'-GCCCTTTTAATGGTGAGGCTCAAACAAACTACATTTAAATGGGGCAGTATTCAGATTTGA[C>T]CATGGTGGAGAGCGCTTAGCCACTCTGGGTCTTTCACAGGAAGGAGAGTAACTGAGTGCT-3'